The following is an entry in ClinVar:

ClinVar aggregate classification (germline): Uncertain significance (1 of 4 stars; one submission).

Submission:

GeneDx
Classification: Uncertain significance. Last evaluated: 2022-04-14. Review status: criteria provided, single submitter. Criteria: GeneDx Variant Classification Process June 2021. Collection method: clinical testing. Allele origin: germline. Affected: yes.
Comment: Not observed at significant frequency in large population cohorts (gnomAD); Frameshift variant predicted to result in protein truncation or nonsense mediated decay in a gene or region of a gene for which loss of function is not a well-established mechanism of disease; Has not been previously published as pathogenic or benign to our knowledge; Variants in candidate genes are classified as variants of uncertain significance in accordance with ACMG guidelines (Richards et al., 2015)

NM_021964.3(ZNF148):c.1628_1640del (p.Thr543fs)

Genes: ZNF148 (zinc finger protein 148; minus strand), LOC126806798 (P300/CBP strongly-dependent group 1 enhancer GRCh37_chr3:124950809-124952008; plus strand). Cytogenetic location: 3q21.2.
Variant type: Deletion.
Coding change: c.1628_1640del on transcript NM_021964.3 (MANE Select); coding-DNA positions 1628 to 1640, 13 bases deleted (CTCTGTTGGATCA).
Protein change: p.Thr543fs; shifts the reading frame from threonine 543.
Molecular consequence: frameshift variant.
Genome position (GRCh38, 1-based): chr3:125,233,086-125,233,098, TGATCCAACAGAG deleted on the plus strand (CTCTGTTGGATCA on the coding strand, the reverse complement: ZNF148 is on the minus strand); deleting any 13 consecutive bases within chr3:125,233,086-125,233,099 gives the same sequence; the c. name uses the placement nearest the transcript's 3' end. VCF-style (leftmost placement, unchanged base first): chr3-125233085-ATGATCCAACAGAG-A. GRCh37 (hg19) VCF-style: chr3-124951929-ATGATCCAACAGAG-A.
Other names: c.1628_1640del, p.Thr543fs (NM_001348424.1, NM_001348425.2, NM_001348426.2 and 7 more transcripts); c.1502_1514del, p.Thr501fs (NM_001348434.2); short protein forms T501fs, T543fs.
Identifiers: ClinVar variation 2443381 (VCV002443381.1), dbSNP rs2472624454, ClinGen allele CA2580068671.
Genomic context (GRCh38, chr3:125,233,085, plus strand): 5'-CACTTCAGTATCTGCAACACTGAAGGATATCTCATGCTGTCCATTAGCTTTGTGGGAATA[ATGATCCAACAGAG>A]TCTGCAGTACCTCATCTGGAATAACATTTTTGTCATGATTACTCTTAATCTCCACATTCA-3'